The following is an entry in ClinVar:

ClinVar aggregate classification (germline): Likely pathogenic (1 of 4 stars; one submission).

Conditions:
Mucopolysaccharidosis, MPS-III-A (MPS3A). Also called: Mucopolysaccharidosis type IIIA (Sanfilippo A); HEPARAN SULFATE SULFATASE DEFICIENCY; SANFILIPPO SYNDROME A; SULFAMIDASE DEFICIENCY; MPS III A; MUCOPOLYSACCHARIDOSIS, TYPE IIIA, ATTENUATED. Identifiers: Orphanet 581, Orphanet 79269, MedGen C0086647, MONDO:0009655, OMIM 252900.

Submission:

Myriad Genetics, Inc.
Classification: Likely pathogenic for Mucopolysaccharidosis, MPS-III-A. Last evaluated: 2022-02-02. Review status: criteria provided, single submitter. Criteria: Myriad Women's Health Autosomal Recessive and X-Linked Classification Criteria (2021). Collection method: clinical testing. Allele origin: unknown.
Comment: NM_000199.3(SGSH):c.573_574delAA(T192Lfs*3) is expected to be pathogenic in the context of mucopolysaccharidosis type IIIA. This variant is predicted to lead to an abnormal or absent protein product due to the creation of a premature termination codon in SGSH, a gene where loss-of-function variants are known to be pathogenic. Please note: this variant was assessed in the context of healthy population screening.

NM_000199.5(SGSH):c.573_574del (p.Thr192fs)

Gene: SGSH (N-sulfoglucosamine sulfohydrolase; minus strand). Cytogenetic location: 17q25.3.
Variant type: Deletion.
Coding change: c.573_574del on transcript NM_000199.5 (MANE Select); coding-DNA positions 573 to 574, 2 bases deleted (AA; older notation c.573_574delAA).
Protein change: p.Thr192fs; shifts the reading frame from threonine 192.
Molecular consequence: frameshift variant. On other transcripts: non-coding transcript variant (1).
Genome position (GRCh38, 1-based): chr17:80,214,261-80,214,262, TT deleted on the plus strand (AA on the coding strand, the reverse complement: SGSH is on the minus strand). VCF-style (leftmost placement, unchanged base first): chr17-80214260-GTT-G. GRCh37 (hg19) VCF-style: chr17-78188059-GTT-G.
Other names: c.573_574del, p.Thr192fs (NM_001352921.3, NM_001352922.2); short protein forms T192fs.
Identifiers: ClinVar variation 1724255 (VCV001724255.2), dbSNP rs2510890643, ClinGen allele CA2580095326.
Genomic context (GRCh38, chr17:80,214,260, plus strand): 5'-GGGGTCCAGTCTGGGATACGACCCATGCCGCTCTCTCCGTTGCCAAACTTCTCACAGAAG[GTT>G]CCGTACTGGGGCTGGGAGTGCCCACAGCGGTGGGGGTCGTGGAAGGCGACGTAGAGGAAG-3'